The following is an entry in ClinVar:

ClinVar aggregate classification (germline): Uncertain significance (1 of 4 stars; one submission).

Conditions:
Cardiovascular phenotype. Identifiers: MedGen CN230736.

Allele frequency attached by ClinVar (database versions not stated): ExAC 0.00003.
gnomAD v4.1: 10 of 1,613,614 alleles (0.00062%); highest among the groups gnomAD compares: South Asian, 0.0022%; no homozygotes.

Submission:

Ambry Genetics
Classification: Uncertain significance for Cardiovascular phenotype. Last evaluated: 2024-03-01. Review status: criteria provided, single submitter. Criteria: Ambry Variant Classification Scheme 2023. Collection method: clinical testing. Allele origin: germline.
Comment: The p.R176C variant (also known as c.526C>T), located in coding exon 5 of the EFEMP2 gene, results from a C to T substitution at nucleotide position 526. The arginine at codon 176 is replaced by cysteine, an amino acid with highly dissimilar properties. This amino acid position is conserved. In addition, this alteration is predicted to be deleterious by in silico analysis. Based on the available evidence, the clinical significance of this alteration remains unclear.

NM_016938.5(EFEMP2):c.526C>T (p.Arg176Cys)

Gene: EFEMP2 (EGF containing fibulin extracellular matrix protein 2; minus strand). Cytogenetic location: 11q13.1.
Variant type: single nucleotide variant.
Coding change: c.526C>T on transcript NM_016938.5 (MANE Select); coding-DNA position 526, C replaced by T.
Protein change: p.Arg176Cys; replaces arginine 176 with cysteine.
Molecular consequence: missense variant. On other transcripts: non-coding transcript variant (1).
Genome position (GRCh38, 1-based): chr11:65,870,202, G>A on the plus strand (C>T on the coding strand, the complement: EFEMP2 is on the minus strand). VCF-style: chr11-65870202-G-A. GRCh37 (hg19) VCF-style: chr11-65637673-G-A.
Other names: short protein forms R176C.
Identifiers: ClinVar variation 3226933 (VCV003226933.1), dbSNP rs773297046, ClinGen allele CA6110625.
Genomic context (GRCh38, chr11:65,870,202, plus strand): 5'-GCCCCAGCTGGAAGCCCGGCTCGCACTGGCAGCGGAAGGAGCCAGGCAGGTTCACGCAGC[G>A]GTGCTGGCAGTAGCGGTAGCGGCACTCGTCTATGTCTAGGGATAGAGGCAGGAGAAGGAG-3'
Protein context (NP_058634.4, residues 166-186): DECRYRYCQH[Arg176Cys]CVNLPGSFRC